The following is an entry in ClinVar:

ClinVar aggregate classification (germline): Uncertain significance (1 of 4 stars; one submission).

Submission:

GeneDx
Classification: Uncertain significance. Last evaluated: 2025-07-31. Review status: criteria provided, single submitter. Criteria: GeneDx Variant Classification Process June 2021. Collection method: clinical testing. Allele origin: germline. Affected: yes.
Comment: Not observed at significant frequency in large population cohorts (gnomAD); In silico analysis supports that this missense variant has a deleterious effect on protein structure/function; Has not been previously published as pathogenic or benign to our knowledge

NM_000193.4(SHH):c.323C>T (p.Ala108Val)

Gene: SHH (sonic hedgehog signaling molecule; minus strand). Cytogenetic location: 7q36.3.
Variant type: single nucleotide variant.
Coding change: c.323C>T on transcript NM_000193.4 (MANE Select); coding-DNA position 323, C replaced by T.
Protein change: p.Ala108Val; replaces alanine 108 with valine.
Molecular consequence: missense variant. On other transcripts: non-coding transcript variant (2).
Genome position (GRCh38, 1-based): chr7:155,806,535, G>A on the plus strand (C>T on the coding strand, the complement: SHH is on the minus strand). VCF-style: chr7-155806535-G-A. GRCh37 (hg19) VCF-style: chr7-155599229-G-A.
Other names: c.62C>T, p.Ala21Val (NM_001310462.2); short protein forms A108V, A21V.
Identifiers: ClinVar variation 4755846 (VCV004755846.1).